The following is an entry in ClinVar:

ClinVar aggregate classification (germline): Conflicting classifications of pathogenicity. Review status: criteria provided, conflicting classifications (1 of 4 stars). 5 submissions from 5 submitters: Likely pathogenic (3); Uncertain significance (1). 1 of the submissions does not count toward it. Last evaluated 2026-03-24.

Conditions:
Nemaline myopathy 2 (NEM2). Also called: Nemaline myopathy 2, autosomal recessive. Identifiers: MedGen C1850569, MONDO:0009725, OMIM 256030.
Arthrogryposis multiplex congenita 6. Identifiers: MedGen C5543431, MONDO:0030281, OMIM 619334.

Allele frequency attached by ClinVar (database versions not stated): gnomAD exomes below 0.00001.
gnomAD v4.1: 3 of 1,507,682 alleles (0.0002%); highest among the groups gnomAD compares: Non-Finnish European, 0.00027%; no homozygotes.

Submissions (5):

Myriad Genetics, Inc.
Classification: Uncertain significance for Nemaline myopathy 2. Last evaluated: 2026-03-24. Review status: criteria provided, single submitter. Criteria: Myriad Autosomal Dominant, Autosomal Recessive and X-Linked Classification Criteria (2023). Collection method: clinical testing. Allele origin: unknown.
Comment: NM_001271208.1(NEB):c.24127-1G>A is a variant in a canonical splice site classified as a variant of uncertain significance in the context of NEB-related nemaline myopathy. c.24127-1G>A has not been observed in cases with relevant disease. Relevant functional assessments of this variant are not available in the literature. c.24127-1G>A has not been observed in referenced population frequency databases. In summary, there is insufficient evidence to classify NM_001271208.1(NEB):c.24127-1G>A as pathogenic or benign. Please note: this variant was assessed in the context of healthy population screening.

Fulgent Genetics
Classification: Likely pathogenic for Nemaline myopathy 2; Arthrogryposis multiplex congenita 6. Last evaluated: 2024-05-03. Review status: criteria provided, single submitter. Criteria: ACMG Guidelines, 2015. Collection method: clinical testing. Allele origin: germline.

Labcorp Genetics (formerly Invitae), Labcorp
Classification: Likely pathogenic for Nemaline myopathy 2. Last evaluated: 2024-01-20. Review status: criteria provided, single submitter. Criteria: Invitae Variant Classification Sherloc (09022015). Collection method: clinical testing. Allele origin: germline.
Comment: This sequence change affects an acceptor splice site in intron 169 of the NEB gene. It is expected to disrupt RNA splicing. Variants that disrupt the donor or acceptor splice site typically lead to a loss of protein function (PMID: 16199547), and loss-of-function variants in NEB are known to be pathogenic (PMID: 25205138). This variant is not present in population databases (gnomAD no frequency). This variant has not been reported in the literature in individuals affected with NEB-related conditions. ClinVar contains an entry for this variant (Variation ID: 553437). Algorithms developed to predict the effect of sequence changes on RNA splicing suggest that this variant may disrupt the consensus splice site. In summary, the currently available evidence indicates that the variant is pathogenic, but additional data are needed to prove that conclusively. Therefore, this variant has been classified as Likely Pathogenic.

Baylor Genetics
Classification: Likely pathogenic for Arthrogryposis multiplex congenita 6. Last evaluated: 2023-03-27. Review status: criteria provided, single submitter. Criteria: ACMG Guidelines, 2015. Collection method: clinical testing. Allele origin: unknown.

Counsyl
Classification: Likely pathogenic for Nemaline myopathy 2. Last evaluated: 2017-08-18. Review status: no assertion criteria provided. Collection method: clinical testing. Allele origin: unknown. Not counted in ClinVar's aggregate classification.

Literature cited by the submitters: PubMed 16199547 (cited by Labcorp Genetics (formerly Invitae), Labcorp); PubMed 25205138 (cited by Labcorp Genetics (formerly Invitae), Labcorp).

NM_001164508.2(NEB):c.24022-1G>A

Genes: NEB (nebulin; minus strand), RIF1 (replication timing regulatory factor 1; plus strand). Cytogenetic location: 2q23.3.
Variant type: single nucleotide variant.
Coding change: c.24022-1G>A on transcript NM_001164508.2 (MANE Select); the canonical splice acceptor site of the intron before coding-DNA position 24022, G replaced by A.
Molecular consequence: splice acceptor variant. On other transcripts: intron variant (1).
Genome position (GRCh38, 1-based): chr2:151,499,391, C>T on the plus strand (G>A on the coding strand, the complement: NEB is on the minus strand). VCF-style: chr2-151499391-C-T. GRCh37 (hg19) VCF-style: chr2-152355905-C-T.
Other names: c.18826-3023G>A (NM_004543.5); c.24022-1G>A (NM_001164507.2); c.24127-1G>A (NM_001271208.2).
Identifiers: ClinVar variation 553437 (VCV000553437.13), dbSNP rs1553561697, ClinGen allele CA348779696.